The following is an entry in ClinVar:

NM_000235.4(LIPA):c.706C>T (p.Gln236Ter)

Gene: LIPA (lipase A, lysosomal acid type; minus strand). Cytogenetic location: 10q23.31.
Variant type: single nucleotide variant.
Coding change: c.706C>T on transcript NM_000235.4 (MANE Select); coding-DNA position 706, C replaced by T.
Protein change: p.Gln236Ter; replaces glutamine 236 with a stop codon.
Molecular consequence: nonsense.
Genome position (GRCh38, 1-based): chr10:89,223,800, G>A on the plus strand (C>T on the coding strand, the complement: LIPA is on the minus strand). VCF-style: chr10-89223800-G-A. GRCh37 (hg19) VCF-style: chr10-90983557-G-A.
Other names: c.706C>T, p.Gln236Ter (NM_001127605.3); c.358C>T, p.Gln120Ter (NM_001288979.2); short protein forms Q236*, Q120*.
Identifiers: ClinVar variation 3598502 (VCV003598502.2).

ClinVar aggregate classification (germline): Pathogenic/Likely pathogenic. Review status: criteria provided, multiple submitters, no conflicts (2 of 4 stars). 2 submissions from 2 submitters: Pathogenic (1); Likely pathogenic (1). Last evaluated 2024-03-08.

Conditions:
Lysosomal acid lipase deficiency. Also called: Acid cholesteryl ester hydrolase deficiency, type 2. Identifiers: Orphanet 275761, MedGen C5574740, MONDO:0800449, MONDO:0010204.
Wolman disease (WOLD). Also called: Wolman disease, CESD; Acid cholesteryl ester hydrolase deficiency, Wolman type; Acid lipase disease; LYSOSOMAL ACID LIPASE DEFICIENCY, ACUTE INFANTILE; LYSOSOMAL ACID LIPASE DEFICIENCY, COMPLETE; LIPA DEFICIENCY, COMPLETE. Identifiers: Orphanet 75233, MedGen C0043208, MONDO:0019148, OMIM 620151.
Cholesteryl ester storage disease (CESD). Also called: Childhood/Adult-Onset LAL-D (Cholesterol Ester Storage Disease [CESD]). Identifiers: Orphanet 75234, MedGen C0008384, MONDO:0019149, OMIM 278000.

Submissions (2):

Fulgent Genetics
Classification: Likely pathogenic for Cholesteryl ester storage disease; Wolman disease. Last evaluated: 2024-03-08. Review status: criteria provided, single submitter. Criteria: ACMG Guidelines, 2015. Collection method: clinical testing. Allele origin: germline.

Myriad Genetics, Inc.
Classification: Pathogenic for Lysosomal acid lipase deficiency. Last evaluated: 2024-01-02. Review status: criteria provided, single submitter. Criteria: Myriad Autosomal Dominant, Autosomal Recessive and X-Linked Classification Criteria (2023). Collection method: clinical testing. Allele origin: unknown.
Comment: NM_000235.2(LIPA):c.706C>T(Q236*) is expected to be pathogenic in the context of lysosomal acid lipase deficiency. This variant is predicted to lead to an abnormal or absent protein product due to the creation of a premature termination codon in LIPA, a gene where loss-of-function variants are known to be pathogenic. Please note: this variant was assessed in the context of healthy population screening.